The following is an entry in ClinVar:

ClinVar aggregate classification (germline): Uncertain significance. Review status: criteria provided, multiple submitters, no conflicts (2 of 4 stars). 3 submissions from 3 submitters: Uncertain significance (3). Last evaluated 2024-05-23.

Conditions:
Inborn genetic diseases. Identifiers: MedGen C0950123, MeSH D030342.
Meier-Gorlin syndrome 1 (MGORS1). Also called: EAR, PATELLA, SHORT STATURE SYNDROME. Identifiers: Orphanet 2554, MedGen C4552001, MONDO:0009143, OMIM 224690.

Allele frequency attached by ClinVar (database versions not stated): TOPMed 0.00002.
gnomAD v4.1: 12 of 1,614,042 alleles (0.00074%); highest among the groups gnomAD compares: Admixed American, 0.0067%; no homozygotes.

Submissions (3):

Labcorp Genetics (formerly Invitae), Labcorp
Classification: Uncertain significance. Last evaluated: 2024-05-23. Review status: criteria provided, single submitter. Criteria: Invitae Variant Classification Sherloc (09022015). Collection method: clinical testing. Allele origin: germline.
Comment: This sequence change replaces alanine, which is neutral and non-polar, with valine, which is neutral and non-polar, at codon 174 of the ORC1 protein (p.Ala174Val). This variant is present in population databases (rs764553903, gnomAD 0.006%). This variant has not been reported in the literature in individuals affected with ORC1-related conditions. ClinVar contains an entry for this variant (Variation ID: 2597050). Advanced modeling of protein sequence and biophysical properties (such as structural, functional, and spatial information, amino acid conservation, physicochemical variation, residue mobility, and thermodynamic stability) has been performed at Invitae for this missense variant, however the output from this modeling did not meet the statistical confidence thresholds required to predict the impact of this variant on ORC1 protein function. In summary, the available evidence is currently insufficient to determine the role of this variant in disease. Therefore, it has been classified as a Variant of Uncertain Significance.

ARUP Laboratories, Molecular Genetics and Genomics, ARUP Laboratories
Classification: Uncertain significance for Meier-Gorlin syndrome 1. Last evaluated: 2023-09-13. Review status: criteria provided, single submitter. Criteria: ARUP Molecular Germline Variant Investigation Process 2024. Collection method: clinical testing. Allele origin: germline.

Ambry Genetics
Classification: Uncertain significance for Inborn genetic diseases. Last evaluated: 2023-07-14. Review status: criteria provided, single submitter. Criteria: Ambry Variant Classification Scheme 2023. Collection method: clinical testing. Allele origin: germline.

NM_004153.4(ORC1):c.521C>T (p.Ala174Val)

Gene: ORC1 (origin recognition complex subunit 1; minus strand). Cytogenetic location: 1p32.3.
Variant type: single nucleotide variant.
Coding change: c.521C>T on transcript NM_004153.4 (MANE Select); coding-DNA position 521, C replaced by T.
Protein change: p.Ala174Val; replaces alanine 174 with valine.
Molecular consequence: missense variant.
Genome position (GRCh38, 1-based): chr1:52,396,246, G>A on the plus strand (C>T on the coding strand, the complement: ORC1 is on the minus strand). VCF-style: chr1-52396246-G-A. GRCh37 (hg19) VCF-style: chr1-52861918-G-A.
Other names: c.521C>T, p.Ala174Val (NM_001190818.2, NM_001190819.2); short protein forms A174V.
Identifiers: ClinVar variation 2597050 (VCV002597050.5), dbSNP rs764553903, ClinGen allele CA853572.
Genomic context (GRCh38, chr1:52,396,246, plus strand): 5'-CTCTTGGCTCTCACGGGTTTCTGGCACTTGGCTGCACTCTCTTGTGGTTTATTCAACTCC[G>A]CAAATAGTTCTGAGGAAAGTGGCCTGAATTTCTTCTCATTCCAGGATAGTTTCACAAAGA-3'
Protein context (NP_004144.2, residues 164-184): KFRPLSSELF[Ala174Val]ELNKPQESAA